The following is an entry in ClinVar:

NM_000400.4(ERCC2):c.1023G>C (p.Lys341Asn)

Gene: ERCC2 (ERCC excision repair 2, TFIIH core complex helicase subunit; minus strand). Cytogenetic location: 19q13.32.
Variant type: single nucleotide variant.
Coding change: c.1023G>C on transcript NM_000400.4 (MANE Select); coding-DNA position 1023, G replaced by C.
Protein change: p.Lys341Asn; replaces lysine 341 with asparagine.
Molecular consequence: missense variant.
Genome position (GRCh38, 1-based): chr19:45,363,838, C>G on the plus strand (G>C on the coding strand, the complement: ERCC2 is on the minus strand). VCF-style: chr19-45363838-C-G. GRCh37 (hg19) VCF-style: chr19-45867096-C-G.
Other names: c.951G>C, p.Lys317Asn (NM_001130867.2); short protein forms K317N, K341N.
Identifiers: ClinVar variation 3231611 (VCV003231611.1), dbSNP rs2514028706, ClinGen allele CA406372708.

ClinVar aggregate classification (germline): Uncertain significance (1 of 4 stars; one submission).

Conditions:
Inborn genetic diseases. Identifiers: MedGen C0950123, MeSH D030342.

Submission:

Ambry Genetics
Classification: Uncertain significance for Inborn genetic diseases. Last evaluated: 2024-01-25. Review status: criteria provided, single submitter. Criteria: Ambry Variant Classification Scheme 2023. Collection method: clinical testing. Allele origin: germline.
Comment: The p.K341N variant (also known as c.1023G>C), located in coding exon 11 of the ERCC2 gene, results from a G to C substitution at nucleotide position 1023. The lysine at codon 341 is replaced by asparagine, an amino acid with similar properties. This amino acid position is conserved. In addition, this alteration is predicted to be tolerated by in silico analysis. Based on the available evidence, the clinical significance of this alteration remains unclear.